The following is an entry in ClinVar:

ClinVar aggregate classification (germline): Uncertain significance. Review status: criteria provided, multiple submitters, no conflicts (2 of 4 stars). 2 submissions from 2 submitters: Uncertain significance (2). Last evaluated 2024-09-25.

Allele frequency attached by ClinVar (database versions not stated): gnomAD 0.00001; gnomAD exomes 0.00004; ExAC 0.00005; ESP Exome Variant Server 0.00008.
gnomAD v4.1: 59 of 1,606,852 alleles (0.0037%); highest among the groups gnomAD compares: Non-Finnish European, 0.0047%; no homozygotes.

Submissions (2):

Ambry Genetics
Classification: Uncertain significance. Last evaluated: 2024-09-25. Review status: criteria provided, single submitter. Criteria: Ambry Variant Classification Scheme 2023. Collection method: clinical testing. Allele origin: germline.

Labcorp Genetics (formerly Invitae), Labcorp
Classification: Uncertain significance. Last evaluated: 2024-03-04. Review status: criteria provided, single submitter. Criteria: Invitae Variant Classification Sherloc (09022015). Collection method: clinical testing. Allele origin: germline.
Comment: This sequence change replaces arginine, which is basic and polar, with cysteine, which is neutral and slightly polar, at codon 245 of the IFT57 protein (p.Arg245Cys). This variant is present in population databases (rs371129548, gnomAD 0.007%). This variant has not been reported in the literature in individuals affected with IFT57-related conditions. ClinVar contains an entry for this variant (Variation ID: 2138193). An algorithm developed to predict the effect of missense changes on protein structure and function (PolyPhen-2) suggests that this variant is likely to be disruptive. In summary, the available evidence is currently insufficient to determine the role of this variant in disease. Therefore, it has been classified as a Variant of Uncertain Significance.

NM_018010.4(IFT57):c.733C>T (p.Arg245Cys)

Gene: IFT57 (intraflagellar transport 57; minus strand). Cytogenetic location: 3q13.12.
Variant type: single nucleotide variant.
Coding change: c.733C>T on transcript NM_018010.4 (MANE Select); coding-DNA position 733, C replaced by T.
Protein change: p.Arg245Cys; replaces arginine 245 with cysteine.
Molecular consequence: missense variant.
Genome position (GRCh38, 1-based): chr3:108,191,565, G>A on the plus strand (C>T on the coding strand, the complement: IFT57 is on the minus strand). VCF-style: chr3-108191565-G-A. GRCh37 (hg19) VCF-style: chr3-107910412-G-A.
Other names: c.733C>T (NM_018010.3); short protein forms R245C.
Identifiers: ClinVar variation 2138193 (VCV002138193.6), dbSNP rs371129548, ClinGen allele CA2526610.
Genomic context (GRCh38, chr3:108,191,565, plus strand): 5'-GTTCCCACTTTGATACCTTATTGTCAGTCCTAATCGTGACTTTCAGTTGCGGTAGTACAC[G>A]TTCCACTTCTAGGCTCCATTCTGCAGCATCTGTTGTGGATTCCAAAATATCTTCTTGTTT-3'
Protein context (NP_060480.1, residues 235-255): DAAEWSLEVE[Arg245Cys]VLPQLKVTIR